The following is an entry in ClinVar:

ClinVar aggregate classification (germline): Uncertain significance (1 of 4 stars; one submission).

Allele frequency attached by ClinVar (database versions not stated): gnomAD exomes below 0.00001.
gnomAD v4.1: 3 of 1,612,144 alleles (0.00019%); highest among the groups gnomAD compares: East Asian, 0.0022%; no homozygotes.

Submission:

Labcorp Genetics (formerly Invitae), Labcorp
Classification: Uncertain significance. Last evaluated: 2023-05-28. Review status: criteria provided, single submitter. Criteria: Invitae Variant Classification Sherloc (09022015). Collection method: clinical testing. Allele origin: germline.
Comment: This variant has not been reported in the literature in individuals affected with DVL1-related conditions. Advanced modeling of protein sequence and biophysical properties (such as structural, functional, and spatial information, amino acid conservation, physicochemical variation, residue mobility, and thermodynamic stability) performed at Invitae indicates that this missense variant is expected to disrupt DVL1 protein function. In summary, the available evidence is currently insufficient to determine the role of this variant in disease. Therefore, it has been classified as a Variant of Uncertain Significance. This sequence change replaces arginine, which is basic and polar, with tryptophan, which is neutral and slightly polar, at codon 456 of the DVL1 protein (p.Arg456Trp). This variant is not present in population databases (gnomAD no frequency).

NM_001330311.2(DVL1):c.1441C>T (p.Arg481Trp)

Gene: DVL1 (dishevelled segment polarity protein 1; minus strand). Cytogenetic location: 1p36.33.
Variant type: single nucleotide variant.
Coding change: c.1441C>T on transcript NM_001330311.2 (MANE Select); coding-DNA position 1441, C replaced by T.
Protein change: p.Arg481Trp; replaces arginine 481 with tryptophan.
Molecular consequence: missense variant.
Genome position (GRCh38, 1-based): chr1:1,338,335, G>A on the plus strand (C>T on the coding strand, the complement: DVL1 is on the minus strand). VCF-style: chr1-1338335-G-A. GRCh37 (hg19) VCF-style: chr1-1273715-G-A.
Other names: c.1366C>T, p.Arg456Trp (NM_004421.3); short protein forms R481W, R456W.
Identifiers: ClinVar variation 2986517 (VCV002986517.3), dbSNP rs970301024, ClinGen allele CA16753473.
Genomic context (GRCh38, chr1:1,338,335, plus strand): 5'-AGAGATCCCCGAAGACGTAGTAGCACTGCTCGGAGAAGGTGATCTTGTTGACCGTGTGCC[G>A]CAGGAAGCCGTGCTTCAGCAAGCTGCTGGCGTACTTCCGGGCCTCCCGCCGCTCCTTGAA-3'
Protein context (NP_001317240.1, residues 471-491): ASSLLKHGFL[Arg481Trp]HTVNKITFSE